The following is an entry in ClinVar:

NM_004960.4(FUS):c.576C>T (p.Gly192=)

Gene: FUS (FUS RNA binding protein; plus strand). Cytogenetic location: 16p11.2.
Variant type: single nucleotide variant.
Coding change: c.576C>T on transcript NM_004960.4 (MANE Select); coding-DNA position 576, C replaced by T.
Protein change: p.Gly192=; no amino-acid change (glycine 192 retained).
Molecular consequence: synonymous variant. On other transcripts: non-coding transcript variant (1).
Genome position (GRCh38, 1-based): chr16:31,184,991, C>T. VCF-style: chr16-31184991-C-T. GRCh37 (hg19) VCF-style: chr16-31196312-C-T.
Other names: c.573C>T, p.Gly191= (NM_001170634.1); c.564C>T, p.Gly188= (NM_001170937.1).
Identifiers: ClinVar variation 1972523 (VCV001972523.8), dbSNP rs3764325, ClinGen allele CA8023713.

ClinVar aggregate classification (germline): Likely benign. Review status: criteria provided, multiple submitters, no conflicts (2 of 4 stars). 4 submissions from 4 submitters: Likely benign (4). Last evaluated 2025-12-01.

Conditions:
Inborn genetic diseases. Identifiers: MedGen C0950123, MeSH D030342.
FUS-related disorder. Also called: FUS-related condition.
Amyotrophic lateral sclerosis type 6. Also called: FUS-Related Amyotrophic Laterial Sclerosis; AMYOTROPHIC LATERAL SCLEROSIS 6 WITHOUT FRONTOTEMPORAL DEMENTIA; Amyotrophic lateral sclerosis 6, with or without frontotemporal dementia. Identifiers: Orphanet 275872, Orphanet 803, MedGen C2931786, MONDO:0011951, OMIM 608030.
Tremor, hereditary essential, 4 (ETM4). Identifiers: MedGen C3539195, MONDO:0013888, OMIM 614782.

Allele frequency attached by ClinVar (database versions not stated): ExAC 0.00002; gnomAD exomes 0.00003; gnomAD 0.00008; TOPMed 0.00009.
gnomAD v4.1: 49 of 1,613,352 alleles (0.003%); highest among the groups gnomAD compares: Middle Eastern, 0.016%; no homozygotes.

Submissions (4):

Labcorp Genetics (formerly Invitae), Labcorp
Classification: Likely benign for Tremor, hereditary essential, 4; Amyotrophic lateral sclerosis type 6. Last evaluated: 2025-12-01. Review status: criteria provided, single submitter. Criteria: Invitae Variant Classification Sherloc (09022015). Collection method: clinical testing. Allele origin: germline.

PreventionGenetics, part of Exact Sciences
Classification: Likely benign for FUS-related condition. Last evaluated: 2025-06-24. Review status: criteria provided, single submitter. Criteria: ACMG Guidelines, 2015. Collection method: clinical testing. Allele origin: germline.
Comment: This variant is classified as likely benign based on ACMG/AMP sequence variant interpretation guidelines (Richards et al. 2015 PMID: 25741868, with internal and published modifications).

Ambry Genetics
Classification: Likely benign for Inborn genetic diseases. Last evaluated: 2024-12-05. Review status: criteria provided, single submitter. Criteria: Ambry Variant Classification Scheme 2023. Collection method: clinical testing. Allele origin: germline.

Blueprint Genetics
Classification: Likely benign. Last evaluated: 2021-04-23. Review status: criteria provided, single submitter. Criteria: ACMG Guidelines, 2015. Collection method: clinical testing. Allele origin: germline.